The following is an entry in ClinVar:

NM_001768.7(CD8A):c.626-10C>T

Genes: CD8A (CD8 subunit alpha; minus strand), LOC106699567 (CD8A intronic regulatory region; plus strand). Cytogenetic location: 2p11.2.
Variant type: single nucleotide variant.
Coding change: c.626-10C>T on transcript NM_001768.7 (MANE Select); 10 bases into the intron before coding-DNA position 626, C replaced by T.
Molecular consequence: intron variant.
Genome position (GRCh38, 1-based): chr2:86,788,570, G>A on the plus strand (C>T on the coding strand, the complement: CD8A is on the minus strand). VCF-style: chr2-86788570-G-A. GRCh37 (hg19) VCF-style: chr2-87015693-G-A.
Other names: c.626-10C>T (NM_001768.6, NM_001145873.1, NM_001382698.1); c.515-10C>T (NM_171827.4).
Identifiers: ClinVar variation 1133107 (VCV001133107.11), dbSNP rs201323607, ClinGen allele CA1751115.
Genomic context (GRCh38, chr2:86,788,570, plus strand): 5'-TGAGTTCAAAAGAGACTCACCGGGGACATTTGCAAACACGTCTTCGGTTCCCTGGATAAG[G>A]AAAAAGAAGGGAAAAAGTGAGTGCCCCTATCCATCAATAGTCCCCAAAGACAGTGTATTT-3'

ClinVar aggregate classification (germline): Likely benign. Review status: criteria provided, single submitter (1 of 4 stars). 2 submissions from 2 submitters: Likely benign (1). 1 of the submissions does not count toward it. Last evaluated 2026-01-14.

Conditions:
CD8A-related disorder. Also called: CD8A-related condition.
Susceptibility to respiratory infections associated with CD8alpha chain mutation (IMD116). Also called: Cd8 deficiency, familial; IMMUNODEFICIENCY 116. Identifiers: Orphanet 169085, MedGen C1837065, MONDO:0012161, OMIM 608957.

Allele frequency attached by ClinVar (database versions not stated): ESP Exome Variant Server 0.00008; ExAC 0.00010; gnomAD 0.00011 and 0.00012; TOPMed 0.00011; gnomAD exomes 0.00012.
gnomAD v4.1: 185 of 1,612,188 alleles (0.011%); highest among the groups gnomAD compares: Non-Finnish European, 0.015%; no homozygotes.

Submissions (2):

Labcorp Genetics (formerly Invitae), Labcorp
Classification: Likely benign for Susceptibility to respiratory infections associated with CD8alpha chain mutation. Last evaluated: 2026-01-14. Review status: criteria provided, single submitter. Criteria: Invitae Variant Classification Sherloc (09022015). Collection method: clinical testing. Allele origin: germline.

PreventionGenetics, part of Exact Sciences
Classification: Likely benign for CD8A-related condition. Last evaluated: 2020-05-15. Review status: no assertion criteria provided. Collection method: clinical testing. Allele origin: germline. Not counted in ClinVar's aggregate classification.
Comment: This variant is classified as likely benign based on ACMG/AMP sequence variant interpretation guidelines (Richards et al. 2015 PMID: 25741868, with internal and published modifications).